The following is an entry in ClinVar:

ClinVar aggregate classification (germline): Uncertain significance (1 of 4 stars; one submission).

Conditions:
Joubert syndrome 21 (JBTS21). Identifiers: MedGen C3810212, MONDO:0014288, OMIM 615636.

Submission:

Labcorp Genetics (formerly Invitae), Labcorp
Classification: Uncertain significance for Joubert syndrome 21. Last evaluated: 2022-07-11. Review status: criteria provided, single submitter. Criteria: Invitae Variant Classification Sherloc (09022015). Collection method: clinical testing. Allele origin: germline.
Comment: This variant occurs in a non-coding region of the CSPP1 gene. It does not change the encoded amino acid sequence of the CSPP1 protein. This variant is present in population databases (rs764952763, gnomAD 0.003%). This variant has not been reported in the literature in individuals affected with CSPP1-related conditions. ClinVar contains an entry for this variant (Variation ID: 1024615). Experimental studies and prediction algorithms are not available or were not evaluated, and the functional significance of this variant is currently unknown. In summary, the available evidence is currently insufficient to determine the role of this variant in disease. Therefore, it has been classified as a Variant of Uncertain Significance.

NM_001382391.1(CSPP1):c.*3_*6dup (p.Ter1227=)

Genes: ARFGEF1 (ARF guanine nucleotide exchange factor 1; minus strand), CSPP1 (centrosome and spindle pole associated protein 1; plus strand). Cytogenetic location: 8q13.2.
Variant type: Duplication.
Coding change: c.*3_*6dup on transcript NM_001382391.1 (MANE Select); 3 bases downstream of the stop codon through 6 bases downstream of the stop codon, 4 bases duplicated (TAAA; older notation c.*3_*6dupTAAA).
Protein change: p.Ter1227=.
Molecular consequence: no sequence alteration. On other transcripts: 3 prime UTR variant (1), intron variant (2).
Genome position (GRCh38, 1-based): chr8:67,195,596-67,195,599, TAAA duplicated; duplicating any 4 consecutive bases within chr8:67,195,593-67,195,599 gives the same sequence; the c. name uses the placement nearest the transcript's 3' end. VCF-style (leftmost placement, unchanged base first): chr8-67195592-A-AAAAT. GRCh37 (hg19) VCF-style: chr8-68107827-A-AAAAT.
Other names: c.*3_*6dup, p.Ter877= (NM_001291339.2); c.*3_*6dup, p.Ter1200= (NM_001363131.2); c.*3_*6dup, p.Ter1162= (NM_001363132.2); c.*3_*6dup, p.Ter1135= (NM_001363133.2); c.*3_*6dup, p.Ter1249= (NM_001364869.1); c.*3_*6dup, p.Ter1189= (NM_001364870.1); c.*3_*6dup, p.Ter1171= (NM_001438330.1); c.*176_*179dup (NM_001438331.1); and 4 more.
Identifiers: ClinVar variation 1024615 (VCV001024615.4), dbSNP rs764952763, ClinGen allele CA4771247.
Genomic context (GRCh38, chr8:67,195,592, plus strand): 5'-AGCAGATTCCTGGAAAACCAGGCACTTTCACTTGGCAGGGCCTGTCGACTGCACATGGTT[A>AAAAT]AAATAAACCTGTACTGGACCCAGTAGTGCCTTTTAAGGTGAAAGGAATGGTAAATCTGTA-3'